The following is an entry in ClinVar:

ClinVar aggregate classification (germline): Benign/Likely benign. Review status: criteria provided, multiple submitters, no conflicts (2 of 4 stars). 2 submissions from 2 submitters: Benign (1); Likely benign (1). Last evaluated 2024-12-20.

Conditions:
Lynch syndrome 5 (LYNCH5). Also called: Hereditary non-polyposis colorectal cancer, type 5; Colorectal cancer, hereditary nonpolyposis, type 5. Identifiers: Orphanet 144, MedGen C1833477, MONDO:0013710, OMIM 614350. Disease mechanism: loss of function.
Hereditary nonpolyposis colorectal neoplasms. Identifiers: MedGen C0009405, MeSH D003123.

Submissions (2):

Myriad Genetics, Inc.
Classification: Benign for Lynch syndrome 5. Last evaluated: 2024-12-20. Review status: criteria provided, single submitter. Criteria: Myriad Autosomal Dominant, Autosomal Recessive and X-Linked Classification Criteria (2023). Collection method: clinical testing. Allele origin: unknown.
Comment: This variant is considered benign. This variant is a silent/synonymous amino acid change and it is not expected to impact splicing.

Labcorp Genetics (formerly Invitae), Labcorp
Classification: Likely benign for Hereditary nonpolyposis colorectal neoplasms. Last evaluated: 2022-06-29. Review status: criteria provided, single submitter. Criteria: Invitae Variant Classification Sherloc (09022015). Collection method: clinical testing. Allele origin: germline.

NM_000179.3(MSH6):c.999C>T (p.Thr333=)

Gene: MSH6 (mutS homolog 6; plus strand). Cytogenetic location: 2p16.3.
Variant type: single nucleotide variant.
Coding change: c.999C>T on transcript NM_000179.3 (MANE Select); coding-DNA position 999, C replaced by T.
Protein change: p.Thr333=; no amino-acid change (threonine 333 retained).
Molecular consequence: synonymous variant.
Genome position (GRCh38, 1-based): chr2:47,798,982, C>T. VCF-style: chr2-47798982-C-T. GRCh37 (hg19) VCF-style: chr2-48026121-C-T.
Other names: c.609C>T, p.Thr203= (NM_001281492.2); c.93C>T, p.Thr31= (NM_001281493.2, NM_001281494.2).
Identifiers: ClinVar variation 756635 (VCV000756635.9), dbSNP rs1572721207, ClinGen allele CA426120736.
Genomic context (GRCh38, chr2:47,798,982, plus strand): 5'-AAGCTCTAGGAAGGAAACGCCCTCAGCCACCAAACAAGCAACTAGCATTTCATCAGAAAC[C>T]AAGAATACTTTGAGAGCTTTCTCTGCCCCTCAAAATTCTGAATCCCAAGCCCACGTTAGT-3'
Protein context (NP_000170.1, residues 323-343): TKQATSISSE[Thr333=]KNTLRAFSAP